The following is an entry in ClinVar:

ClinVar aggregate classification (germline): Uncertain significance (1 of 4 stars; one submission).

Conditions:
SOX10-related disorder. Also called: SOX10-related condition.

Submission:

PreventionGenetics, part of Exact Sciences
Classification: Uncertain significance for SOX10-related condition. Last evaluated: 2026-08-22. Review status: criteria provided, single submitter. Criteria: ACMG Guidelines, 2015. Collection method: clinical testing. Allele origin: germline.
Comment: The SOX10 c.19C>G variant is predicted to result in the amino acid substitution p.Leu7Val. To our knowledge, this variant has not been reported in the literature or in a large population database (gnomAD), indicating this variant is rare. At this time, the clinical significance of this variant is uncertain due to the absence of conclusive functional and genetic evidence.

NM_006941.4(SOX10):c.19C>G (p.Leu7Val)

Genes: POLR2F (RNA polymerase II, I and III subunit F; plus strand), SOX10 (SRY-box transcription factor 10; minus strand). Cytogenetic location: 22q13.1.
Variant type: single nucleotide variant.
Coding change: c.19C>G on transcript NM_006941.4 (MANE Select); coding-DNA position 19, C replaced by G.
Protein change: p.Leu7Val; replaces leucine 7 with valine.
Molecular consequence: missense variant. On other transcripts: intron variant (3).
Genome position (GRCh38, 1-based): chr22:37,983,766, G>C on the plus strand (C>G on the coding strand, the complement: SOX10 is on the minus strand). VCF-style: chr22-37983766-G-C. GRCh37 (hg19) VCF-style: chr22-38379773-G-C.
Other names: c.*38+11456G>C (NM_001363825.1); c.294-2388G>C (NM_001301130.2); c.293+16596G>C (NM_001301131.2); short protein forms L7V.
Identifiers: ClinVar variation 4992511 (VCV004992511.1).